The following is an entry in ClinVar:

NM_178452.6(DNAAF1):c.21G>C (p.Glu7Asp)

Gene: DNAAF1 (dynein axonemal assembly factor 1; plus strand). Cytogenetic location: 16q24.1.
Variant type: single nucleotide variant.
Coding change: c.21G>C on transcript NM_178452.6 (MANE Select); coding-DNA position 21, G replaced by C.
Protein change: p.Glu7Asp; replaces glutamic acid 7 with aspartic acid.
Molecular consequence: missense variant.
Genome position (GRCh38, 1-based): chr16:84,145,461, G>C. VCF-style: chr16-84145461-G-C. GRCh37 (hg19) VCF-style: chr16-84179066-G-C.
Other names: short protein forms E7D.
Identifiers: ClinVar variation 4241711 (VCV004241711.1).

ClinVar aggregate classification (germline): Uncertain significance (1 of 4 stars; one submission).

Conditions:
Primary ciliary dyskinesia. Also called: Ciliary dyskinesia. Identifiers: Orphanet 244, MedGen C0008780, MONDO:0016575, HP:0012265.

gnomAD v4.1: 3 of 1,579,250 alleles (0.00019%); highest among the groups gnomAD compares: South Asian, 0.0035%; no homozygotes.

Submission:

Ambry Genetics
Classification: Uncertain significance for Primary ciliary dyskinesia. Last evaluated: 2025-08-28. Review status: criteria provided, single submitter. Criteria: Ambry Variant Classification Scheme 2023. Collection method: clinical testing. Allele origin: germline.
Comment: The p.E7D variant (also known as c.21G>C), located in coding exon 1 of the DNAAF1 gene, results from a G to C substitution at nucleotide position 21. The glutamic acid at codon 7 is replaced by aspartic acid, an amino acid with highly similar properties. This amino acid position is conserved. In addition, this alteration is predicted to be tolerated by in silico analysis. Based on the available evidence, the clinical significance of this variant remains unclear.